The following is an entry in ClinVar:

ClinVar aggregate classification (germline): Pathogenic. Review status: criteria provided, multiple submitters, no conflicts (2 of 4 stars). 7 submissions from 7 submitters: Pathogenic (7). Last evaluated 2026-09-25.

Conditions:
ELAC2-related disorder. Also called: ELAC2-related condition.
Inborn genetic diseases. Identifiers: MedGen C0950123, MeSH D030342.
ELAC2-related disorders.
Combined oxidative phosphorylation defect type 17. Also called: Combined oxidative phosphorylation deficiency 17. Identifiers: Orphanet 369913, MedGen C3809526, MONDO:0014190, OMIM 615440.

Allele frequency attached by ClinVar (database versions not stated): ExAC 0.00002; gnomAD exomes 0.00004 and 0.00008; gnomAD 0.00006 and 0.00007; TOPMed 0.00009.

Submissions (7):

PreventionGenetics, part of Exact Sciences
Classification: Pathogenic for ELAC2-related condition. Last evaluated: 2026-09-25. Review status: criteria provided, single submitter. Criteria: ACMG Guidelines, 2015. Collection method: clinical testing. Allele origin: germline.
Comment: The ELAC2 c.2009delG variant is predicted to result in a frameshift and premature protein termination (p.Cys670Serfs*14). This variant has been reported in the compound heterozygous state in individuals with autosomal recessive combined oxidative phosphorylation deficiency or related phenotypes (see for example, Saoura et al. 2019. PubMed ID: 31045291; Josephs et al. 2024. PubMed ID: 39472908). Functional studies showed that this variant results in poor expression and no detectable enzymatic activity (Saoura et al. 2019. PubMed ID: 31045291). This variant is reported in 0.0062% of alleles in individuals of European (Non-Finnish) descent in gnomAD. Frameshift variants in ELAC2 are expected to be pathogenic. This variant is interpreted as pathogenic.

Labcorp Genetics (formerly Invitae), Labcorp
Classification: Pathogenic for Combined oxidative phosphorylation defect type 17. Last evaluated: 2025-12-08. Review status: criteria provided, single submitter. Criteria: Invitae Variant Classification Sherloc (09022015). Collection method: clinical testing. Allele origin: germline.
Comment: This sequence change creates a premature translational stop signal (p.Cys670Serfs*14) in the ELAC2 gene. It is expected to result in an absent or disrupted protein product. Loss-of-function variants in ELAC2 are known to be pathogenic (PMID: 27769300, 31045291). This variant is present in population databases (rs761385155, gnomAD 0.007%). This premature translational stop signal has been observed in individual(s) with clinical features of combined oxidative phosphorylation deficiency (PMID: 31045291). ClinVar contains an entry for this variant (Variation ID: 488502). For these reasons, this variant has been classified as Pathogenic.

GeneDx
Classification: Pathogenic. Last evaluated: 2025-02-20. Review status: criteria provided, single submitter. Criteria: GeneDx Variant Classification Process June 2021. Collection method: clinical testing. Allele origin: germline. Affected: yes.
Comment: Frameshift variant predicted to result in protein truncation or nonsense mediated decay in a gene for which loss-of-function is a known mechanism of disease; Not observed at significant frequency in large population cohorts (gnomAD); This variant is associated with the following publications: (PMID: 31589614, 34670123, 27535533, 34732400, 31045291)

Blueprint Genetics
Classification: Pathogenic for ELAC2-related disorders. Last evaluated: 2024-04-18. Review status: criteria provided, single submitter. Criteria: ACMG Guidelines, 2015. Collection method: clinical testing. Allele origin: germline. Affected: yes. Observed: 5 variant alleles.

CeGaT Center for Human Genetics Tuebingen
Classification: Pathogenic. Last evaluated: 2023-12-01. Review status: criteria provided, single submitter. Criteria: CeGaT Center For Human Genetics Tuebingen Variant Classification Criteria Version 2. Collection method: clinical testing. Allele origin: germline. Affected: yes. Observed: 1 variant allele.
Comment: ELAC2: PVS1, PM2, PS3:Supporting

Ambry Genetics
Classification: Pathogenic for Inborn genetic diseases. Last evaluated: 2022-06-03. Review status: criteria provided, single submitter. Criteria: Ambry Variant Classification Scheme 2023. Collection method: clinical testing. Allele origin: germline.
Comment: The c.2009delG (p.C670Sfs*14) alteration, located in exon 21 (coding exon 21) of the ELAC2 gene, consists of a deletion of one nucleotide at position 2009, causing a translational frameshift with a predicted alternate stop codon after 14 amino acids. This alteration is expected to result in loss of function by premature protein truncation or nonsense-mediated mRNA decay. This alteration has been reported in conjunction with another alteration in ELAC2 in individuals with features consistent with ELAC2-related combined oxidative phosphorylation deficiency (Forny, 2021; Peeters, 2020; Saoura, 2019; Schon, 2021). Based on the available evidence, this alteration is classified as pathogenic.

Institute of Human Genetics Munich, TUM University Hospital
Classification: Pathogenic for Combined oxidative phosphorylation defect type 17. Last evaluated: 2017-11-16. Review status: criteria provided, single submitter. Criteria: Classification criteria August 2017. Collection method: clinical testing. Allele origin: maternal. Inheritance: Autosomal recessive inheritance. Affected: yes. Observed: 1 compound heterozygote.

Literature cited by the submitters: PubMed 27769300 (cited by Labcorp Genetics (formerly Invitae), Labcorp); PubMed 31045291 (cited by Labcorp Genetics (formerly Invitae), Labcorp and Ambry Genetics); PubMed 32685970 (cited by Ambry Genetics); PubMed 34056100 (cited by Ambry Genetics); PubMed 34732400 (cited by Ambry Genetics).

NM_018127.7(ELAC2):c.2009del (p.Cys670fs)

Gene: ELAC2 (elaC ribonuclease Z 2; minus strand). Cytogenetic location: 17p12.
Variant type: Deletion.
Coding change: c.2009del on transcript NM_018127.7 (MANE Select); coding-DNA position 2009, one base deleted (G; older notation c.2009delG).
Protein change: p.Cys670fs; shifts the reading frame from cysteine 670.
Molecular consequence: frameshift variant.
Genome position (GRCh38, 1-based): chr17:12,994,784, C deleted on the plus strand (G on the coding strand, the reverse complement: ELAC2 is on the minus strand). VCF-style (leftmost placement, unchanged base first): chr17-12994783-GC-G. GRCh37 (hg19) VCF-style: chr17-12898100-GC-G.
Other names: c.2009delG (NM_018127.6); c.1889del, p.Cys630fs (NM_001165962.2); c.2006del, p.Cys669fs (NM_173717.2); short protein forms C669fs, C630fs, C670fs.
Identifiers: ClinVar variation 488502 (VCV000488502.34), dbSNP rs761385155, ClinGen allele CA8400980.